The following is an entry in ClinVar:

ClinVar aggregate classification (germline): Uncertain significance (1 of 4 stars; one submission).

Submission:

Ambry Genetics
Classification: Uncertain significance. Last evaluated: 2025-07-14. Review status: criteria provided, single submitter. Criteria: Ambry Variant Classification Scheme 2023. Collection method: clinical testing. Allele origin: germline.
Comment: The p.I588L variant (also known as c.1762A>C), located in coding exon 13 of the GEN1 gene, results from an A to C substitution at nucleotide position 1762. The isoleucine at codon 588 is replaced by leucine, an amino acid with highly similar properties. This amino acid position is conserved. In addition, this alteration is predicted to be tolerated by in silico analysis. Based on the available evidence, the clinical significance of this variant remains unclear.

NM_001130009.3(GEN1):c.1762A>C (p.Ile588Leu)

Gene: GEN1 (GEN1 Holliday junction 5' flap endonuclease; plus strand). Cytogenetic location: 2p24.2.
Variant type: single nucleotide variant.
Coding change: c.1762A>C on transcript NM_001130009.3 (MANE Select); coding-DNA position 1762, A replaced by C.
Protein change: p.Ile588Leu; replaces isoleucine 588 with leucine.
Molecular consequence: missense variant.
Genome position (GRCh38, 1-based): chr2:17,780,974, A>C. VCF-style: chr2-17780974-A-C. GRCh37 (hg19) VCF-style: chr2-17962241-A-C.
Other names: c.1762A>C, p.Ile588Leu (NM_182625.5); short protein forms I588L.
Identifiers: ClinVar variation 4263031 (VCV004263031.1).